The following is an entry in ClinVar:

NM_000545.8(HNF1A):c.1524G>T (p.Glu508Asp)

Gene: HNF1A (HNF1 homeobox A; plus strand). Cytogenetic location: 12q24.31.
Variant type: single nucleotide variant.
Coding change: c.1524G>T on transcript NM_000545.8 (MANE Select); coding-DNA position 1524, G replaced by T.
Protein change: p.Glu508Asp; replaces glutamic acid 508 with aspartic acid.
Molecular consequence: missense variant.
Genome position (GRCh38, 1-based): chr12:120,999,290, G>T. VCF-style: chr12-120999290-G-T. GRCh37 (hg19) VCF-style: chr12-121437093-G-T.
Other names: c.1524G>T, p.Glu508Asp (NM_001306179.2); short protein forms E508D.
Identifiers: ClinVar variation 1043641 (VCV001043641.9), dbSNP rs1877291173, ClinGen allele CA386971660.

ClinVar aggregate classification (germline): Uncertain significance. Review status: criteria provided, multiple submitters, no conflicts (2 of 4 stars). 2 submissions from 2 submitters: Uncertain significance (2). Last evaluated 2020-08-04.

Conditions:
Maturity-onset diabetes of the young (MODY). Also called: Maturity onset diabetes mellitus in young. Identifiers: Orphanet 552, MedGen C0342276, MONDO:0018911, HP:0004904.

Submissions (2):

Labcorp Genetics (formerly Invitae), Labcorp
Classification: Uncertain significance. Last evaluated: 2020-08-04. Review status: criteria provided, single submitter. Criteria: Invitae Variant Classification Sherloc (09022015). Collection method: clinical testing. Allele origin: germline.
Comment: This variant is not present in population databases (ExAC no frequency). In summary, the available evidence is currently insufficient to determine the role of this variant in disease. Therefore, it has been classified as a Variant of Uncertain Significance. Advanced modeling of protein sequence and biophysical properties (such as structural, functional, and spatial information, amino acid conservation, physicochemical variation, residue mobility, and thermodynamic stability) performed at Invitae indicates that this missense variant is not expected to disrupt HNF1A protein function. This variant has not been reported in the literature in individuals with HNF1A-related conditions. This sequence change replaces glutamic acid with aspartic acid at codon 508 of the HNF1A protein (p.Glu508Asp). The glutamic acid residue is moderately conserved and there is a small physicochemical difference between glutamic acid and aspartic acid.

Clinical Genomics, Uppaluri K&H Personalized Medicine Clinic
Classification: Uncertain significance for Maturity-onset diabetes of the young. Review status: criteria provided, single submitter. Criteria: K & H Uppaluri Personalized Medicine Clinic Variant Classification & Assertion Criteria_Updated V.1. Collection method: research. Allele origin: unknown. Inheritance: Autosomal dominant inheritance.
Comment: Mutations in HNF1A gene can predispose to MODY3. It is associated with both micro and macrovascular complications of diabetes, especially cardiovascular complications. Associated with glucosuria. May respond well to sulfonylureas. However, more evidence is required to confer the association of this particular variant rs1877291173 with MODY3.

Literature cited by the submitters: PubMed 31517624 (cited by Clinical Genomics, Uppaluri K&H Personalized Medicine Clinic); PubMed 32395877 (cited by Clinical Genomics, Uppaluri K&H Personalized Medicine Clinic); PubMed 35328643 (cited by Clinical Genomics, Uppaluri K&H Personalized Medicine Clinic); PubMed 35673428 (cited by Clinical Genomics, Uppaluri K&H Personalized Medicine Clinic).